The following is an entry in ClinVar:

ClinVar aggregate classification (germline): Uncertain significance (1 of 4 stars; one submission).

Conditions:
Inborn genetic diseases. Identifiers: MedGen C0950123, MeSH D030342.

Submission:

Ambry Genetics
Classification: Uncertain significance for Inborn genetic diseases. Last evaluated: 2022-06-14. Review status: criteria provided, single submitter. Criteria: Ambry Variant Classification Scheme 2023. Collection method: clinical testing. Allele origin: germline.
Comment: The p.M1409V variant (also known as c.4225A>G), located in coding exon 30 of the LRRK2 gene, results from an A to G substitution at nucleotide position 4225. The methionine at codon 1409 is replaced by valine, an amino acid with highly similar properties. This amino acid position is conserved. In addition, the in silico prediction for this alteration is inconclusive. Since supporting evidence is limited at this time, the clinical significance of this alteration remains unclear.

NM_198578.4(LRRK2):c.4225A>G (p.Met1409Val)

Gene: LRRK2 (leucine rich repeat kinase 2; plus strand). Cytogenetic location: 12q12.
Variant type: single nucleotide variant.
Coding change: c.4225A>G on transcript NM_198578.4 (MANE Select); coding-DNA position 4225, A replaced by G.
Protein change: p.Met1409Val; replaces methionine 1409 with valine.
Molecular consequence: missense variant.
Genome position (GRCh38, 1-based): chr12:40,309,141, A>G. VCF-style: chr12-40309141-A-G. GRCh37 (hg19) VCF-style: chr12-40702943-A-G.
Other names: short protein forms M1409V.
Identifiers: ClinVar variation 1738856 (VCV001738856.2), dbSNP rs2499817823, ClinGen allele CA384418038.